The following is an entry in ClinVar:

ClinVar aggregate classification (germline): Pathogenic. Review status: criteria provided, multiple submitters, no conflicts (2 of 4 stars). 17 submissions from 15 submitters: Pathogenic (12). 5 of the submissions do not count toward it. Last evaluated 2025-07-28.

Conditions:
Cone-rod dystrophy 13 (CORD13). Identifiers: Orphanet 1872, MedGen C2750720, MONDO:0011987, OMIM 608194.
Leber congenital amaurosis 6 (LCA6). Identifiers: Orphanet 65, MedGen C1854260, MONDO:0013446, OMIM 613826.
Leber congenital amaurosis (LCA). Also called: Leber's amaurosis. Identifiers: Orphanet 65, MedGen C0339527, MeSH D057130, MONDO:0018998.
RPGRIP1-related disorder. Also called: RPGRIP1-related condition.

Submissions (17):

3billion
Classification: Pathogenic for Leber congenital amaurosis 6. Last evaluated: 2025-07-28. Review status: criteria provided, single submitter. Criteria: ACMG Guidelines, 2015. Collection method: clinical testing. Allele origin: germline. Affected: yes.
Comment: The variant is observed at an extremely low frequency in the gnomAD v4.1.0 dataset (total allele frequency: <0.001%). Predicted Consequence/Location: Frameshift: predicted to result in a loss or disruption of normal protein function through nonsense-mediated decay (NMD) or protein truncation. Multiple pathogenic variants are reported downstream of the variant. The variant has been reported at least twice as pathogenic with clinical assertions and evidence for the classification (ClinVar ID: VCV000099809 /PMID: 11283794 /3billion dataset). Therefore, this variant is classified as Pathogenic according to the recommendation of ACMG/AMP guideline.

Dubai Health Genomic Medicine Center, Dubai Health
Classification: Pathogenic for Cone-rod dystrophy 13. Last evaluated: 2024-10-04. Review status: criteria provided, single submitter. Criteria: ACMG Guidelines, 2015. Collection method: research. Allele origin: germline. Affected: yes.
Comment: PVS1, PM2, PP4

Labcorp Genetics (formerly Invitae), Labcorp
Classification: Pathogenic for Leber congenital amaurosis 6; Cone-rod dystrophy 13. Last evaluated: 2024-08-27. Review status: criteria provided, single submitter. Criteria: Invitae Variant Classification Sherloc (09022015). Collection method: clinical testing. Allele origin: germline.
Comment: This sequence change creates a premature translational stop signal (p.Glu370Asnfs*5) in the RPGRIP1 gene. It is expected to result in an absent or disrupted protein product. Loss-of-function variants in RPGRIP1 are known to be pathogenic (PMID: 11528500, 23105016). This variant is not present in population databases (gnomAD no frequency). This premature translational stop signal has been observed in individuals with Leber congenital amaurosis (PMID: 11283794, 20079931, 24997176, 30202406). This variant is also known as Lys342(1-bp del). ClinVar contains an entry for this variant (Variation ID: 99809). Algorithms developed to predict the effect of sequence changes on RNA splicing suggest that this variant may disrupt the consensus splice site. For these reasons, this variant has been classified as Pathogenic.

Genomic Medicine Center of Excellence, King Faisal Specialist Hospital and Research Centre
Classification: Pathogenic for Leber congenital amaurosis 6. Last evaluated: 2024-03-26. Review status: criteria provided, single submitter. Criteria: ACMG Guidelines, 2015. Collection method: clinical testing. Allele origin: germline.

Blueprint Genetics
Classification: Pathogenic for RPGRIP1-related disorders. Last evaluated: 2023-03-31. Review status: criteria provided, single submitter. Criteria: ACMG Guidelines, 2015. Collection method: clinical testing. Allele origin: germline. Affected: yes. Observed: 3 variant alleles.

Genome-Nilou Lab
Classification: Pathogenic for Leber congenital amaurosis 6. Last evaluated: 2021-11-07. Review status: criteria provided, single submitter. Criteria: ACMG Guidelines, 2015. Collection method: clinical testing. Allele origin: germline. Affected: no.

Genome-Nilou Lab
Classification: Pathogenic for Cone-rod dystrophy 13. Last evaluated: 2021-11-07. Review status: criteria provided, single submitter. Criteria: ACMG Guidelines, 2015. Collection method: clinical testing. Allele origin: germline. Affected: no.

DBGen Ocular Genomics
Classification: Pathogenic for Leber congenital amaurosis 6. Last evaluated: 2021-06-23. Review status: criteria provided, single submitter. Criteria: ACMG Guidelines, 2015. Collection method: clinical testing. Allele origin: germline. Affected: yes. Observed: 1 variant allele.

Breakthrough Genomics
Classification: Pathogenic for Leber congenital amaurosis 6. Last evaluated: 2021-02-13. Review status: criteria provided, single submitter. Criteria: ACMG Guidelines, 2015. Collection method: clinical testing. Allele origin: germline. Affected: yes.
Comment: This variant has been observed in homozygous state in multiple individuals with a clinical diagnosis of Leber congenital amaurosis [PMID: 30202406, 20079931, 24997176] and it was previously reported as recurrent variant (represented as c.1007delA (p.Glu370Asnfs*5) in the article [PMID: 24997176].

Revvity Omics, Revvity
Classification: Pathogenic. Last evaluated: 2021-02-03. Review status: criteria provided, single submitter. Criteria: ACMG Guidelines, 2015. Collection method: clinical testing. Allele origin: germline.

Dubai Health Genomic Medicine Center, Dubai Health
Classification: Pathogenic for Leber congenital amaurosis 6. Last evaluated: 2020-04-07. Review status: criteria provided, single submitter. Criteria: ACMG Guidelines, 2015. Collection method: clinical testing. Allele origin: germline. Affected: yes.
Comment: The p.Glu370fs variant in RPGRIP1 has been previously reported in at least one individual with congenital leber amaurosis (PMIDs: 11283794) but was absent from large population studies such as the Genome Aggregation Database (gnomAD) and the Greater Middle East (GME) Variome Database. This frameshift variant affecting the only known RPGRIP1 transcript is predicted to alter the protein's amino acid sequence beginning at position 370 and lead to a premature termination codon 5 amino acids downstream. This alteration is then predicted to lead to a truncated or absent protein. In summary this variant meets our criteria for pathogenicity.

CENTOGENE GmbH and LLC - Guiding Precision Medicine
Classification: Pathogenic for Leber congenital amaurosis 6. Review status: criteria provided, single submitter. Criteria: ACMG Guidelines, 2015. Collection method: clinical testing. Allele origin: germline. Affected: yes.

Biochemical Molecular Genetic Laboratory, King Abdulaziz Medical City
Classification: Pathogenic for Leber congenital amaurosis 6. Last evaluated: 2019-09-26. Review status: no assertion criteria provided. Collection method: clinical testing. Allele origin: germline. Affected: yes. Not counted in ClinVar's aggregate classification.

Molecular Genetics Laboratory, Institute for Ophthalmic Research
Classification: Pathogenic for Leber congenital amaurosis. Last evaluated: 2017-12-13. Review status: no assertion criteria provided. Collection method: research. Allele origin: inherited. Affected: yes. Not counted in ClinVar's aggregate classification.

OMIM
Classification: Pathogenic for LEBER CONGENITAL AMAUROSIS 6. Last evaluated: 2001-05-01. Review status: no assertion criteria provided. Collection method: literature only. Allele origin: germline. Not counted in ClinVar's aggregate classification.

Laboratory of Genetics in Ophthalmology, Institut Imagine
Classification: Pathogenic for Leber congenital amaurosis 6. Review status: no assertion criteria provided. Collection method: research. Allele origin: inherited. Affected: yes. Observed: 1 variant allele. Not counted in ClinVar's aggregate classification.

Retina International
No classification provided. Review status: no classification provided. Collection method: not provided. Allele origin: not provided. Not counted in ClinVar's aggregate classification.

Literature cited by the submitters: PubMed 11283794 (cited by 4 submitters); PubMed 11528500 (cited by Labcorp Genetics (formerly Invitae), Labcorp); PubMed 23105016 (cited by Labcorp Genetics (formerly Invitae), Labcorp); PubMed 20079931 (cited by Labcorp Genetics (formerly Invitae), Labcorp); PubMed 24997176 (cited by Labcorp Genetics (formerly Invitae), Labcorp); PubMed 30202406 (cited by Labcorp Genetics (formerly Invitae), Labcorp); PubMed 32860008 (cited by CENTOGENE GmbH and LLC - Guiding Precision Medicine).

NM_020366.4(RPGRIP1):c.1107del (p.Glu370fs)

Gene: RPGRIP1 (RPGR interacting protein 1; plus strand). Cytogenetic location: 14q11.2.
Variant type: Deletion.
Coding change: c.1107del on transcript NM_020366.4 (MANE Select); coding-DNA position 1107, one base deleted (A; older notation c.1107delA).
Protein change: p.Glu370fs; shifts the reading frame from glutamic acid 370.
Molecular consequence: frameshift variant.
Genome position (GRCh38, 1-based): chr14:21,312,462, A deleted; the last of 5 consecutive A bases (chr14:21,312,458-21,312,462); deleting any one gives the same sequence. VCF-style (leftmost placement, unchanged base first): chr14-21312457-GA-G. GRCh37 (hg19) VCF-style: chr14-21780616-GA-G.
Other names: p.Glu370AsnfsTer5; c.1107delA (NM_020366.3, NM_020366.4); c.1103delA (NM_020366.3); short protein forms E370fs.
Identifiers: ClinVar variation 99809 (VCV000099809.31), dbSNP rs61751266, ClinGen allele CA227902.
Genomic context (GRCh38, chr14:21,312,457, plus strand): 5'-TTAACATTTTATCTCAAGGGCTACTATCACTCTTAGTTTCAGGAGAGAGTTGAAGATTTG[GA>G]AAAAGAACGAAAATTGCTGAATGACAATTATGACAAACTCTTAGAAAGGTGAGTACCACA-3'